The following is an entry in ClinVar:

ClinVar aggregate classification (germline): Likely benign. Review status: criteria provided, multiple submitters, no conflicts (2 of 4 stars). 2 submissions from 2 submitters: Likely benign (2). Last evaluated 2023-12-13.

Allele frequency attached by ClinVar (database versions not stated): ExAC 0.00003; gnomAD 0.00006; TOPMed 0.00006.
gnomAD v4.1: 35 of 1,600,676 alleles (0.0022%); highest among the groups gnomAD compares: Admixed American, 0.018%; no homozygotes.

Submissions (2):

Labcorp Genetics (formerly Invitae), Labcorp
Classification: Likely benign. Last evaluated: 2023-12-13. Review status: criteria provided, single submitter. Criteria: Invitae Variant Classification Sherloc (09022015). Collection method: clinical testing. Allele origin: germline.

GeneDx
Classification: Likely benign. Last evaluated: 2016-02-16. Review status: criteria provided, single submitter. Criteria: GeneDx Variant Classification (06012015). Collection method: clinical testing. Allele origin: germline. Affected: yes.
Comment: This variant is considered likely benign or benign based on one or more of the following criteria: it is a conservative change, it occurs at a poorly conserved position in the protein, it is predicted to be benign by multiple in silico algorithms, and/or has population frequency not consistent with disease.

NM_015340.4(LARS2):c.1622+7C>T

Genes: LARS2 (leucyl-tRNA synthetase 2, mitochondrial; plus strand), LARS2-AS1 (LARS2 antisense RNA 1; minus strand). Cytogenetic location: 3p21.31.
Variant type: single nucleotide variant.
Coding change: c.1622+7C>T on transcript NM_015340.4 (MANE Select); 7 bases into the intron after coding-DNA position 1622, C replaced by T.
Molecular consequence: intron variant.
Genome position (GRCh38, 1-based): chr3:45,496,380, C>T. VCF-style: chr3-45496380-C-T. GRCh37 (hg19) VCF-style: chr3-45537872-C-T.
Other names: c.1622+7C>T (NM_001368263.1).
Identifiers: ClinVar variation 382426 (VCV000382426.8), dbSNP rs770655297, ClinGen allele CA2349645.